The following is an entry in ClinVar:

ClinVar aggregate classification (germline): Uncertain significance. Review status: criteria provided, multiple submitters, no conflicts (2 of 4 stars). 2 submissions from 2 submitters: Uncertain significance (2). Last evaluated 2026-05-20.

Conditions:
Arrhythmogenic right ventricular cardiomyopathy (ARVD). Also called: Cardiomyopathy, ARVC; Arrhythmogenic right ventricular dysplasia; Arrhythmogenic cardiomyopathy; Arrhythmogenic Right Ventricular Cardiomyopathy (ARVC). Identifiers: Orphanet 247, MedGen C0349788, MeSH D019571, MONDO:0016587. Disease mechanism: loss of function. Inheritance: Various modes of inheritance.
Cardiovascular phenotype. Identifiers: MedGen CN230736.

Allele frequency attached by ClinVar (database versions not stated): gnomAD exomes below 0.00001.
gnomAD v4.1: 1 of 1,614,174 alleles (0.000062%); highest among the groups gnomAD compares: Non-Finnish European, 0.000085%; no homozygotes.

Submissions (2):

Ambry Genetics
Classification: Uncertain significance for Cardiovascular phenotype. Last evaluated: 2026-05-20. Review status: criteria provided, single submitter. Criteria: Ambry Variant Classification Scheme 2023. Collection method: clinical testing. Allele origin: germline.
Comment: The p.G564E variant (also known as c.1691G>A), located in coding exon 12 of the DSG2 gene, results from a G to A substitution at nucleotide position 1691. The glycine at codon 564 is replaced by glutamic acid, an amino acid with similar properties. This amino acid position is conserved. In addition, this alteration is predicted to be tolerated by in silico analysis. Based on the available evidence, the clinical significance of this variant remains unclear.

All of Us Research Program, National Institutes of Health
Classification: Uncertain significance for Arrhythmogenic right ventricular cardiomyopathy. Last evaluated: 2023-05-31. Review status: criteria provided, single submitter. Criteria: ACMG Guidelines, 2015. Collection method: clinical testing. Allele origin: germline. Inheritance: Autosomal dominant inheritance. Observed: 1 variant allele, 1 heterozygote.
Comment: This study involves interpretation of variants in research participants for the purpose of population health screening. Participant phenotype was not available at the time of variant classification. Additional details can be found in publication PMID: 35346344, PMCID: PMC8962531

NM_001943.5(DSG2):c.1691G>A (p.Gly564Glu)

Gene: DSG2 (desmoglein 2; plus strand). Cytogenetic location: 18q12.1.
Variant type: single nucleotide variant.
Coding change: c.1691G>A on transcript NM_001943.5 (MANE Select); coding-DNA position 1691, G replaced by A.
Protein change: p.Gly564Glu; replaces glycine 564 with glutamic acid.
Molecular consequence: missense variant.
Genome position (GRCh38, 1-based): chr18:31,538,790, G>A. VCF-style: chr18-31538790-G-A. GRCh37 (hg19) VCF-style: chr18-29118753-G-A.
Other names: short protein forms G564E.
Identifiers: ClinVar variation 3071189 (VCV003071189.2), dbSNP rs2510918908, ClinGen allele CA402137036.
Genomic context (GRCh38, chr18:31,538,790, plus strand): 5'-TTCTGCCTCCCAACCTTGTAGGTACCAGTGTGCTGCTGCAACAAAGTGAGAAAAAGCTTG[G>A]GAGAAGTGAAATTCAGTTCCTGATTTCAGACAATCAGGGTTTTAGTTGTCCTGAAAAGCA-3'
Protein context (NP_001934.2, residues 554-574): VLLQQSEKKL[Gly564Glu]RSEIQFLISD